The following is an entry in ClinVar:

NM_000214.3(JAG1):c.725A>G (p.His242Arg)

Gene: JAG1 (jagged canonical Notch ligand 1; minus strand). Cytogenetic location: 20p12.2.
Variant type: single nucleotide variant.
Coding change: c.725A>G on transcript NM_000214.3 (MANE Select); coding-DNA position 725, A replaced by G.
Protein change: p.His242Arg; replaces histidine 242 with arginine.
Molecular consequence: missense variant.
Genome position (GRCh38, 1-based): chr20:10,656,428, T>C on the plus strand (A>G on the coding strand, the complement: JAG1 is on the minus strand). VCF-style: chr20-10656428-T-C. GRCh37 (hg19) VCF-style: chr20-10637076-T-C.
Other names: p.His242Arg; short protein forms H242R.
Identifiers: ClinVar variation 2898020 (VCV002898020.5), dbSNP rs2514524457, ClinGen allele CA408239802.

ClinVar aggregate classification (germline): Conflicting classifications of pathogenicity. Review status: criteria provided, conflicting classifications (1 of 4 stars). 3 submissions from 3 submitters: Likely pathogenic (1); Uncertain significance (2). Last evaluated 2026-04-01.

Conditions:
Alagille syndrome due to a JAG1 point mutation. Also called: JAG1-Related Alagille Syndrome; HEPATIC DUCTULAR HYPOPLASIA, SYNDROMATIC; Alagille Syndrome 1. Identifiers: Orphanet 261619, Orphanet 52, MedGen C1956125, MONDO:0016862, OMIM 118450.
Congenital heart disease (CHD). Identifiers: MedGen C0152021, MONDO:0005453. Disease mechanism: unknown.
Congenital anomaly of kidney and urinary tract. Also called: Congenital anomalies of kidney and urinary tract; Congenital anomalies of the kidney and urinary tract. Identifiers: Orphanet 93545, MedGen C1968949, MeSH C566906, MONDO:0019719.

Submissions (3):

Institute Of Molecular Biology And Genetics, Federal Almazov National Medical Research Centre
Classification: Likely pathogenic for Congenital heart disease; Congenital anomaly of kidney and urinary tract. Last evaluated: 2026-04-01. Review status: criteria provided, single submitter. Criteria: ACMG Guidelines, 2015. Collection method: clinical testing. Allele origin: germline. Affected: yes. Observed: 1 variant allele.
Comment: The variant NM_000214.3:c.725A>G leads to replacement of histidine with arginine at codon 242 of the JAG1 protein (p.His242Arg). Multiple lines of computational evidence suggest the c.725A>G variant as a deleterious one (PP3). It is not present in population databases (no allele frequency in gnomAD) (PM2).

Labcorp Genetics (formerly Invitae), Labcorp
Classification: Uncertain significance for Alagille syndrome due to a JAG1 point mutation. Last evaluated: 2023-09-12. Review status: criteria provided, single submitter. Criteria: Invitae Variant Classification Sherloc (09022015). Collection method: clinical testing. Allele origin: germline.
Comment: In summary, the available evidence is currently insufficient to determine the role of this variant in disease. Therefore, it has been classified as a Variant of Uncertain Significance. This sequence change replaces histidine, which is basic and polar, with arginine, which is basic and polar, at codon 242 of the JAG1 protein (p.His242Arg). This variant is not present in population databases (gnomAD no frequency). This variant has not been reported in the literature in individuals affected with JAG1-related conditions. Advanced modeling of protein sequence and biophysical properties (such as structural, functional, and spatial information, amino acid conservation, physicochemical variation, residue mobility, and thermodynamic stability) has been performed at Invitae for this missense variant, however the output from this modeling did not meet the statistical confidence thresholds required to predict the impact of this variant on JAG1 protein function.

Blueprint Genetics
Classification: Uncertain significance. Last evaluated: 2022-04-22. Review status: criteria provided, single submitter. Criteria: ACMG Guidelines, 2015. Collection method: clinical testing. Allele origin: germline.